The following is an entry in ClinVar:

NM_000553.6(WRN):c.2297C>G (p.Pro766Arg)

Gene: WRN (WRN RecQ like helicase; plus strand). Cytogenetic location: 8p12.
Variant type: single nucleotide variant.
Coding change: c.2297C>G on transcript NM_000553.6 (MANE Select); coding-DNA position 2297, C replaced by G.
Protein change: p.Pro766Arg; replaces proline 766 with arginine.
Molecular consequence: missense variant.
Genome position (GRCh38, 1-based): chr8:31,116,377, C>G. VCF-style: chr8-31116377-C-G. GRCh37 (hg19) VCF-style: chr8-30973893-C-G.
Other names: short protein forms P766R.
Identifiers: ClinVar variation 1036999 (VCV001036999.2), dbSNP rs748486712, ClinGen allele CA4704712.
Genomic context (GRCh38, chr8:31,116,377, plus strand): 5'-TATATATGTTTGCTCTTTTGTTCTTCTTTTTCTTTAGTTCCCACTGGGAATTTGAAGGTC[C>G]AACAATCATCTACTGTCCTTCTAGAAAAATGACACAACAAGTTACAGGTGAACTTAGGAA-3'
Protein context (NP_000544.2, residues 756-776): KTSSHWEFEG[Pro766Arg]TIIYCPSRKM

ClinVar aggregate classification (germline): Uncertain significance (1 of 4 stars; one submission).

Conditions:
Werner syndrome (WRN). Identifiers: Orphanet 902, MedGen C0043119, MONDO:0010196, OMIM 277700.

Allele frequency attached by ClinVar (database versions not stated): gnomAD below 0.00001 and 0.00001; ExAC 0.00002; gnomAD exomes 0.00002.
gnomAD v4.1: 26 of 1,613,696 alleles (0.0016%); highest among the groups gnomAD compares: South Asian, 0.027%; no homozygotes.

Submission:

Labcorp Genetics (formerly Invitae), Labcorp
Classification: Uncertain significance for Werner syndrome. Last evaluated: 2022-10-18. Review status: criteria provided, single submitter. Criteria: Invitae Variant Classification Sherloc (09022015). Collection method: clinical testing. Allele origin: germline.
Comment: This sequence change replaces proline, which is neutral and non-polar, with arginine, which is basic and polar, at codon 766 of the WRN protein (p.Pro766Arg). This variant is present in population databases (rs748486712, gnomAD 0.02%). This variant has not been reported in the literature in individuals affected with WRN-related conditions. ClinVar contains an entry for this variant (Variation ID: 1036999). Algorithms developed to predict the effect of missense changes on protein structure and function are either unavailable or do not agree on the potential impact of this missense change (SIFT: "Not Available"; PolyPhen-2: "Probably Damaging"; Align-GVGD: "Not Available"). In summary, the available evidence is currently insufficient to determine the role of this variant in disease. Therefore, it has been classified as a Variant of Uncertain Significance.